The following is an entry in ClinVar:

NM_005560.6(LAMA5):c.9233G>A (p.Arg3078Gln)

Gene: LAMA5 (laminin subunit alpha 5; minus strand). Cytogenetic location: 20q13.33.
Variant type: single nucleotide variant.
Coding change: c.9233G>A on transcript NM_005560.6 (MANE Select); coding-DNA position 9233, G replaced by A.
Protein change: p.Arg3078Gln; replaces arginine 3078 with glutamine.
Molecular consequence: missense variant.
Genome position (GRCh38, 1-based): chr20:62,312,527, C>T on the plus strand (G>A on the coding strand, the complement: LAMA5 is on the minus strand). VCF-style: chr20-62312527-C-T. GRCh37 (hg19) VCF-style: chr20-60887583-C-T.
Other names: short protein forms R3078Q.
Identifiers: ClinVar variation 2045577 (VCV002045577.15), dbSNP rs144323773, ClinGen allele CA9940342.

ClinVar aggregate classification (germline): Conflicting classifications of pathogenicity. Review status: criteria provided, conflicting classifications (1 of 4 stars). 3 submissions from 3 submitters: Uncertain significance (1); Likely benign (2). Last evaluated 2025-02-01.

Allele frequency attached by ClinVar (database versions not stated): ESP Exome Variant Server 0.00023; gnomAD 0.00024; TOPMed 0.00026; ExAC 0.00041; gnomAD exomes 0.00049.
gnomAD v4.1: 758 of 1,599,190 alleles (0.047%); highest among the groups gnomAD compares: Admixed American, 0.073%; no homozygotes.

Submissions (3):

CeGaT Center for Human Genetics Tuebingen
Classification: Likely benign. Last evaluated: 2025-02-01. Review status: criteria provided, single submitter. Criteria: CeGaT Center For Human Genetics Tuebingen Variant Classification Criteria Version 2. Collection method: clinical testing. Allele origin: germline. Affected: yes. Observed: 2 variant alleles.
Comment: LAMA5: BP4

Blueprint Genetics
Classification: Likely benign. Last evaluated: 2024-09-12. Review status: criteria provided, single submitter. Criteria: ACMG Guidelines, 2015. Collection method: clinical testing. Allele origin: germline.

Labcorp Genetics (formerly Invitae), Labcorp
Classification: Uncertain significance. Last evaluated: 2022-04-07. Review status: criteria provided, single submitter. Criteria: Invitae Variant Classification Sherloc (09022015). Collection method: clinical testing. Allele origin: germline.
Comment: This sequence change replaces arginine, which is basic and polar, with glutamine, which is neutral and polar, at codon 3078 of the LAMA5 protein (p.Arg3078Gln). This variant is present in population databases (rs144323773, gnomAD 0.06%). This variant has not been reported in the literature in individuals affected with LAMA5-related conditions. Algorithms developed to predict the effect of missense changes on protein structure and function output the following: SIFT: "Tolerated"; PolyPhen-2: "Benign"; Align-GVGD: "Class C0". The glutamine amino acid residue is found in multiple mammalian species, which suggests that this missense change does not adversely affect protein function. In summary, the available evidence is currently insufficient to determine the role of this variant in disease. Therefore, it has been classified as a Variant of Uncertain Significance.